The following is an entry in ClinVar:

ClinVar aggregate classification (germline): Uncertain significance. Review status: criteria provided, multiple submitters, no conflicts (2 of 4 stars). 2 submissions from 2 submitters: Uncertain significance (2). Last evaluated 2025-10-27.

Conditions:
Inborn genetic diseases. Identifiers: MedGen C0950123, MeSH D030342.

Allele frequency attached by ClinVar (database versions not stated): ExAC 0.00001; gnomAD exomes 0.00001; TOPMed 0.00004; ESP Exome Variant Server 0.00008.
gnomAD v4.1: 13 of 1,612,906 alleles (0.00081%); highest among the groups gnomAD compares: Admixed American, 0.0033%; no homozygotes.

Submissions (2):

Labcorp Genetics (formerly Invitae), Labcorp
Classification: Uncertain significance. Last evaluated: 2025-10-27. Review status: criteria provided, single submitter. Criteria: Invitae Variant Classification Sherloc (09022015). Collection method: clinical testing. Allele origin: germline.
Comment: This sequence change replaces arginine, which is basic and polar, with cysteine, which is neutral and slightly polar, at codon 1754 of the MYH14 protein (p.Arg1754Cys). This variant is present in population databases (rs373716045, gnomAD 0.007%). This variant has not been reported in the literature in individuals affected with MYH14-related conditions. ClinVar contains an entry for this variant (Variation ID: 3156962). Invitae Evidence Modeling of protein sequence and biophysical properties (such as structural, functional, and spatial information, amino acid conservation, physicochemical variation, residue mobility, and thermodynamic stability) indicates that this missense variant is expected to disrupt MYH14 protein function with a positive predictive value of 80%. In summary, the available evidence is currently insufficient to determine the role of this variant in disease. Therefore, it has been classified as a Variant of Uncertain Significance.

Ambry Genetics
Classification: Uncertain significance for Inborn genetic diseases. Last evaluated: 2023-11-13. Review status: criteria provided, single submitter. Criteria: Ambry Variant Classification Scheme 2023. Collection method: clinical testing. Allele origin: germline.

NM_001145809.2(MYH14):c.5383C>T (p.Arg1795Cys)

Gene: MYH14 (myosin heavy chain 14; plus strand). Cytogenetic location: 19q13.33.
Variant type: single nucleotide variant.
Coding change: c.5383C>T on transcript NM_001145809.2 (MANE Select); coding-DNA position 5383, C replaced by T.
Protein change: p.Arg1795Cys; replaces arginine 1795 with cysteine.
Molecular consequence: missense variant.
Genome position (GRCh38, 1-based): chr19:50,293,601, C>T. VCF-style: chr19-50293601-C-T. GRCh37 (hg19) VCF-style: chr19-50796858-C-T.
Other names: c.5284C>T, p.Arg1762Cys (NM_001077186.2); c.5260C>T, p.Arg1754Cys (NM_024729.4); short protein forms R1754C, R1795C, R1762C.
Identifiers: ClinVar variation 3156962 (VCV003156962.2), dbSNP rs373716045, ClinGen allele CA9593780.